The following is an entry in ClinVar:

NM_000540.3(RYR1):c.4801C>A (p.Pro1601Thr)

Gene: RYR1 (ryanodine receptor 1; plus strand). Cytogenetic location: 19q13.2.
Variant type: single nucleotide variant.
Coding change: c.4801C>A on transcript NM_000540.3 (MANE Select); coding-DNA position 4801, C replaced by A.
Protein change: p.Pro1601Thr; replaces proline 1601 with threonine.
Molecular consequence: missense variant.
Genome position (GRCh38, 1-based): chr19:38,483,383, C>A. VCF-style: chr19-38483383-C-A. GRCh37 (hg19) VCF-style: chr19-38974023-C-A.
Other names: c.4801C>A, p.Pro1601Thr (NM_001042723.2); short protein forms P1601T.
Identifiers: ClinVar variation 2334993 (VCV002334993.5), dbSNP rs1313969909, ClinGen allele CA405650496.

ClinVar aggregate classification (germline): Uncertain significance. Review status: criteria provided, multiple submitters, no conflicts (2 of 4 stars). 3 submissions from 3 submitters: Uncertain significance (3). Last evaluated 2026-03-30.

Conditions:
Malignant hyperthermia, susceptibility to, 1 (MHS1). Also called: Anesthesia related hyperthermia; Malignant hyperpyrexia; Fulminating hyperpyrexia; Pharmacogenic myopathy; RYR1-Related Malignant Hyperthermia Susceptibility; Malignant hyperthermia suceptibility 1. Identifiers: Orphanet 423, MedGen C2930980, MONDO:0007783, OMIM 145600.
Inborn genetic diseases. Identifiers: MedGen C0950123, MeSH D030342.

gnomAD v4.1: 5 of 1,566,988 alleles (0.00032%); highest among the groups gnomAD compares: Non-Finnish European, 0.00035%; no homozygotes.

Submissions (3):

GeneDx
Classification: Uncertain significance. Last evaluated: 2026-03-30. Review status: criteria provided, single submitter. Criteria: GeneDx Variant Classification Process June 2021. Collection method: clinical testing. Allele origin: germline.
Comment: Not observed at significant frequency in large population cohorts (gnomAD); In silico analysis supports that this missense variant has a deleterious effect on protein structure/function; Has not been previously published as pathogenic or benign to our knowledge

Ambry Genetics
Classification: Uncertain significance for Inborn genetic diseases. Last evaluated: 2025-12-11. Review status: criteria provided, single submitter. Criteria: Ambry Variant Classification Scheme 2023. Collection method: clinical testing. Allele origin: germline.

Color Diagnostics, LLC DBA Color Health
Classification: Uncertain significance for Malignant hyperthermia, susceptibility to, 1. Last evaluated: 2025-07-08. Review status: criteria provided, single submitter. Criteria: ACMG Guidelines, 2015. Collection method: clinical testing. Allele origin: germline.
Comment: This missense variant replaces proline with threonine at codon 1601 of the RYR1 protein. Computational prediction is inconclusive regarding the impact of this variant on protein structure and function. To our knowledge, functional studies have not been reported for this variant. This variant has not been reported in individuals affected with RYR1-related disorders in the literature. This variant has not been identified in the general population by the Genome Aggregation Database (gnomAD). The available evidence is insufficient to determine the role of this variant in disease conclusively. Therefore, this variant is classified as a Variant of Uncertain Significance.